The following is an entry in ClinVar:

NM_000081.4(LYST):c.8047A>T (p.Thr2683Ser)

Gene: LYST (lysosomal trafficking regulator; minus strand). Cytogenetic location: 1q42.3.
Variant type: single nucleotide variant.
Coding change: c.8047A>T on transcript NM_000081.4 (MANE Select); coding-DNA position 8047, A replaced by T.
Protein change: p.Thr2683Ser; replaces threonine 2683 with serine.
Molecular consequence: missense variant.
Genome position (GRCh38, 1-based): chr1:235,744,083, T>A on the plus strand (A>T on the coding strand, the complement: LYST is on the minus strand). VCF-style: chr1-235744083-T-A. GRCh37 (hg19) VCF-style: chr1-235907383-T-A.
Other names: c.8047A>T, p.Thr2683Ser (NM_001301365.1); short protein forms T2683S.
Identifiers: ClinVar variation 2060281 (VCV002060281.4), dbSNP rs2527646797, ClinGen allele CA344924988.
Genomic context (GRCh38, chr1:235,744,083, plus strand): 5'-TCTGAAATGGATTGAAAACAGAAGACTGTTCATGATGAATATTTTCCTCAGAAATTTCGG[T>A]CTGGAAAACTGAGGTCTTGCTTTGAGTTACATTTTCTGGAGTTCTCAAAATGTCAATAAT-3'
Protein context (NP_000072.2, residues 2673-2693): VTQSKTSVFQ[Thr2683Ser]EISEENIHHE

ClinVar aggregate classification (germline): Uncertain significance (1 of 4 stars; one submission).

Conditions:
Chédiak-Higashi syndrome (CHS). Also called: Chediak-Higashi Syndrome. Identifiers: Orphanet 167, MedGen C0007965, MONDO:0008963, OMIM 214500.

Submission:

Labcorp Genetics (formerly Invitae), Labcorp
Classification: Uncertain significance for Chédiak-Higashi syndrome. Last evaluated: 2021-12-25. Review status: criteria provided, single submitter. Criteria: Invitae Variant Classification Sherloc (09022015). Collection method: clinical testing. Allele origin: germline.
Comment: This sequence change replaces threonine, which is neutral and polar, with serine, which is neutral and polar, at codon 2683 of the LYST protein (p.Thr2683Ser). This variant is not present in population databases (gnomAD no frequency). This variant has not been reported in the literature in individuals affected with LYST-related conditions. Algorithms developed to predict the effect of missense changes on protein structure and function (SIFT, PolyPhen-2, Align-GVGD) all suggest that this variant is likely to be tolerated. In summary, the available evidence is currently insufficient to determine the role of this variant in disease. Therefore, it has been classified as a Variant of Uncertain Significance.